The following is an entry in ClinVar:

NM_005477.3(HCN4):c.1094C>T (p.Ser365Leu)

Genes: HCN4 (hyperpolarization activated cyclic nucleotide gated potassium channel 4; minus strand), LOC105370890 (uncharacterized LOC105370890; plus strand), LOC126862173 (CDK7 strongly-dependent group 2 enhancer GRCh37_chr15:73635762-73636961; plus strand). Cytogenetic location: 15q24.1.
Variant type: single nucleotide variant.
Coding change: c.1094C>T on transcript NM_005477.3 (MANE Select); coding-DNA position 1094, C replaced by T.
Protein change: p.Ser365Leu; replaces serine 365 with leucine.
Molecular consequence: missense variant.
Genome position (GRCh38, 1-based): chr15:73,343,500, G>A on the plus strand (C>T on the coding strand, the complement: HCN4 is on the minus strand). VCF-style: chr15-73343500-G-A. GRCh37 (hg19) VCF-style: chr15-73635841-G-A.
Other names: c.1094C>T (NM_005477.2); short protein forms S365L.
Identifiers: ClinVar variation 1058362 (VCV001058362.10), dbSNP rs745346676, ClinGen allele CA7649368.
Genomic context (GRCh38, chr15:73,343,500, plus strand): 5'-AGGCTGAGGATCTTCGTGAAGCGGACAATGCGCAGGGCCCGGGCAGTCTTGTAGACCTCC[G>A]AGTCGATGCGTGTCTCCACAATGAGGAAGATGTAGTCCACGGGGATGGAGGAAATGAAAT-3'
Protein context (NP_005468.1, residues 355-375): IFLIVETRID[Ser365Leu]EVYKTARALR

ClinVar aggregate classification (germline): Uncertain significance. Review status: criteria provided, single submitter (1 of 4 stars). 2 submissions from 2 submitters: Uncertain significance (1). 1 of the submissions does not count toward it. Last evaluated 2022-09-07.

Conditions:
HCN4-related disorder. Also called: HCN4-related condition.
Brugada syndrome 8 (BRGDA8). Identifiers: Orphanet 130, MedGen C2751083, MONDO:0013148, OMIM 613123.

Allele frequency attached by ClinVar (database versions not stated): gnomAD 0.00001; TOPMed 0.00001; ExAC 0.00002; gnomAD exomes 0.00002.
gnomAD v4.1: 17 of 1,614,078 alleles (0.0011%); highest among the groups gnomAD compares: Non-Finnish European, 0.0013%; no homozygotes.

Submissions (2):

Labcorp Genetics (formerly Invitae), Labcorp
Classification: Uncertain significance for Brugada syndrome 8. Last evaluated: 2022-09-07. Review status: criteria provided, single submitter. Criteria: Invitae Variant Classification Sherloc (09022015). Collection method: clinical testing. Allele origin: germline.
Comment: In summary, the available evidence is currently insufficient to determine the role of this variant in disease. Therefore, it has been classified as a Variant of Uncertain Significance. Advanced modeling of protein sequence and biophysical properties (such as structural, functional, and spatial information, amino acid conservation, physicochemical variation, residue mobility, and thermodynamic stability) performed at Invitae indicates that this missense variant is expected to disrupt HCN4 protein function. ClinVar contains an entry for this variant (Variation ID: 1058362). This variant has not been reported in the literature in individuals affected with HCN4-related conditions. This variant is present in population databases (rs745346676, gnomAD 0.006%). This sequence change replaces serine, which is neutral and polar, with leucine, which is neutral and non-polar, at codon 365 of the HCN4 protein (p.Ser365Leu).

PreventionGenetics, part of Exact Sciences
Classification: Uncertain significance for HCN4-related condition. Last evaluated: 2024-04-11. Review status: no assertion criteria provided. Collection method: clinical testing. Allele origin: germline. Not counted in ClinVar's aggregate classification.
Comment: The HCN4 c.1094C>T variant is predicted to result in the amino acid substitution p.Ser365Leu. To our knowledge, this variant has not been reported in the literature. This variant is reported in 0.0033% of alleles in individuals of South Asian descent in gnomAD. At this time, the clinical significance of this variant is uncertain due to the absence of conclusive functional and genetic evidence.